The following is an entry in ClinVar:

ClinVar aggregate classification (germline): Uncertain significance. Review status: criteria provided, multiple submitters, no conflicts (2 of 4 stars). 2 submissions from 2 submitters: Uncertain significance (2). Last evaluated 2025-01-06.

Conditions:
Developmental and epileptic encephalopathy, 42 (DEE42A). Also called: Epileptic encephalopathy, early infantile, 42; DEVELOPMENTAL AND EPILEPTIC ENCEPHALOPATHY 42A; EPILEPTIC ENCEPHALOPATHY, EARLY INFANTILE, 42A. Identifiers: MedGen C4310716, MONDO:0014917, OMIM 617106.
Episodic ataxia type 2 (EA2). Also called: CEREBELLAR ATAXIA, PAROXYSMAL, ACETAZOLAMIDE-RESPONSIVE; CEREBELLOPATHY, HEREDITARY PAROXYSMAL; EPISODIC ATAXIA, NYSTAGMUS-ASSOCIATED; ACETAZOLAMIDE-RESPONSIVE HEREDITARY PAROXYSMAL CEREBELLAR ATAXIA; ATAXIA, EPISODIC, WITH NYSTAGMUS; ATAXIA, FAMILIAL PAROXYSMAL. Identifiers: Orphanet 97, MedGen C1720416, MONDO:0007163, OMIM 108500.

Allele frequency attached by ClinVar (database versions not stated): TOPMed below 0.00001.

Submissions (2):

Labcorp Genetics (formerly Invitae), Labcorp
Classification: Uncertain significance for Developmental and epileptic encephalopathy, 42; Episodic ataxia type 2. Last evaluated: 2025-01-06. Review status: criteria provided, single submitter. Criteria: Invitae Variant Classification Sherloc (09022015). Collection method: clinical testing. Allele origin: germline.
Comment: This sequence change replaces serine, which is neutral and polar, with cysteine, which is neutral and slightly polar, at codon 17 of the CACNA1A protein (p.Ser17Cys). This variant is not present in population databases (gnomAD no frequency). This variant has not been reported in the literature in individuals affected with CACNA1A-related conditions. ClinVar contains an entry for this variant (Variation ID: 969212). Invitae Evidence Modeling of protein sequence and biophysical properties (such as structural, functional, and spatial information, amino acid conservation, physicochemical variation, residue mobility, and thermodynamic stability) indicates that this missense variant is not expected to disrupt CACNA1A protein function with a negative predictive value of 95%. In summary, the available evidence is currently insufficient to determine the role of this variant in disease. Therefore, it has been classified as a Variant of Uncertain Significance.

GeneDx
Classification: Uncertain significance. Last evaluated: 2019-10-28. Review status: criteria provided, single submitter. Criteria: GeneDx Variant Classification Process June 2021. Collection method: clinical testing. Allele origin: germline. Affected: yes.
Comment: Not observed in large population cohorts (Lek et al., 2016); In silico analysis, which includes protein predictors and evolutionary conservation, supports that this variant does not alter protein structure/function; In-silico analysis, which includes splice predictors and evolutionary conservation, is inconclusive as to whether the variant alters gene splicing. In the absence of RNA/functional studies, the actual effect of this sequence change is unknown.; Has not been previously published as pathogenic or benign to our knowledge

NM_001127222.2(CACNA1A):c.50C>G (p.Ser17Cys)

Gene: CACNA1A (calcium voltage-gated channel subunit alpha1 A; minus strand). Cytogenetic location: 19p13.13.
Variant type: single nucleotide variant.
Coding change: c.50C>G on transcript NM_001127222.2 (MANE Select); coding-DNA position 50, C replaced by G.
Protein change: p.Ser17Cys; replaces serine 17 with cysteine.
Molecular consequence: missense variant.
Genome position (GRCh38, 1-based): chr19:13,506,175, G>C on the plus strand (C>G on the coding strand, the complement: CACNA1A is on the minus strand). VCF-style: chr19-13506175-G-C. GRCh37 (hg19) VCF-style: chr19-13616989-G-C.
Other names: c.50C>G, p.Ser17Cys (NM_000068.4, NM_001127221.2, NM_001174080.2 and 1 more transcripts); short protein forms S17C.
Identifiers: ClinVar variation 969212 (VCV000969212.13), dbSNP rs931963287, ClinGen allele CA404971303.
Genomic context (GRCh38, chr19:13,506,175, plus strand): 5'-CGGCTGCCCCCGGCTCCTCGCCCGCCTCCGCTGCCCACGACCACCCCGGCGGCTGCCCCG[G>C]AGCCTCCTCCCCCGTAGCGGGCCGGCATCTCGTCTCCGAAGCGGGCCATTCTGCAAAGAG-3'
Protein context (NP_001120694.1, residues 7-27): EMPARYGGGG[Ser17Cys]GAAAGVVVGS